The following is an entry in ClinVar:

NM_000277.3(PAH):c.743T>A (p.Leu248Gln)

Gene: PAH (phenylalanine hydroxylase; minus strand). Cytogenetic location: 12q23.2.
Variant type: single nucleotide variant.
Coding change: c.743T>A on transcript NM_000277.3 (MANE Select); coding-DNA position 743, T replaced by A.
Protein change: p.Leu248Gln; replaces leucine 248 with glutamine.
Molecular consequence: missense variant.
Genome position (GRCh38, 1-based): chr12:102,852,914, A>T on the plus strand (T>A on the coding strand, the complement: PAH is on the minus strand). VCF-style: chr12-102852914-A-T. GRCh37 (hg19) VCF-style: chr12-103246692-A-T.
Other names: c.743T>A, p.Leu248Gln (NM_001354304.2); short protein forms L248Q.
Identifiers: ClinVar variation 4688566 (VCV004688566.1).
Genomic context (GRCh38, chr12:102,852,914, plus strand): 5'-TACTGTGTGCAGTGGAAGACTCGGAAGGCCAGGCCACCCAAGAAATCCCGAGAGGAAAGC[A>T]GGCCAGCCACAGGTCGGAGGCGGAAACCAGTGCAAGCTGGGATGAAAAGAAGAAAGAAAA-3'
Protein context (NP_000268.1, residues 238-258): TGFRLRPVAG[Leu248Gln]LSSRDFLGGL

ClinVar aggregate classification (germline): Uncertain significance (1 of 4 stars; one submission).

Submission:

Women's Health and Genetics/Laboratory Corporation of America, LabCorp
Classification: Uncertain significance. Last evaluated: 2025-12-04. Review status: criteria provided, single submitter. Criteria: LabCorp Variant Classification Summary - May 2015. Collection method: clinical testing. Allele origin: germline.
Comment: Variant summary: PAH c.743T>A (p.Leu248Gln) results in a non-conservative amino acid change in the encoded protein sequence. Algorithms developed to predict the effect of missense changes on protein structure and function all suggest that this variant is likely to be disruptive. The frequency data for this variant in gnomAD is considered unreliable, as metrics indicate poor data quality at this position. To our knowledge, no occurrence of c.743T>A in individuals affected with PAH-related conditions and no experimental evidence demonstrating its impact on protein function have been reported. No submitters have cited clinical-significance assessments for this variant to ClinVar. Based on the evidence outlined above, the variant was classified as uncertain significance.